The following is an entry in ClinVar:

NM_213655.5(WNK1):c.3545C>T (p.Pro1182Leu)

Gene: WNK1 (WNK lysine deficient protein kinase 1; plus strand). Cytogenetic location: 12p13.33.
Variant type: single nucleotide variant.
Coding change: c.3545C>T on transcript NM_213655.5 (MANE Plus Clinical); coding-DNA position 3545, C replaced by T.
Protein change: p.Pro1182Leu; replaces proline 1182 with leucine.
Molecular consequence: missense variant. On other transcripts: intron variant (2).
Genome position (GRCh38, 1-based): chr12:869,016, C>T. VCF-style: chr12-869016-C-T. GRCh37 (hg19) VCF-style: chr12-978182-C-T.
Other names: c.3290C>T, p.Pro1097Leu (NM_001184985.2); c.2140-2249C>T (NM_018979.4, NM_014823.3); short protein forms P1097L, P1182L.
Identifiers: ClinVar variation 3753834 (VCV003753834.2).

ClinVar aggregate classification (germline): Uncertain significance (1 of 4 stars; one submission).

Conditions:
Neuropathy, hereditary sensory and autonomic, type 2A (HSAN2A). Also called: ACROOSTEOLYSIS, GIACCAI TYPE; ACROOSTEOLYSIS, NEUROGENIC; MORVAN DISEASE; NEUROPATHY, CONGENITAL SENSORY; NEUROPATHY, HEREDITARY SENSORY RADICULAR, AUTOSOMAL RECESSIVE; NEUROPATHY, HEREDITARY SENSORY, TYPE IIA. Identifiers: Orphanet 970, MedGen C2752089, MONDO:0024309, OMIM 201300.
Pseudohypoaldosteronism type 2C (PHA2C). Also called: Pseudohypoaldosteronism Type IIC. Identifiers: Orphanet 757, Orphanet 88940, MedGen C1840391, MONDO:0013778, OMIM 614492.

gnomAD v4.1: 2 of 1,611,254 alleles (0.00012%); highest among the groups gnomAD compares: Non-Finnish European, 0.00017%; no homozygotes.

Submission:

Labcorp Genetics (formerly Invitae), Labcorp
Classification: Uncertain significance for Neuropathy, hereditary sensory and autonomic, type 2A; Pseudohypoaldosteronism type 2C. Last evaluated: 2024-02-21. Review status: criteria provided, single submitter. Criteria: Invitae Variant Classification Sherloc (09022015). Collection method: clinical testing. Allele origin: germline.
Comment: This sequence change replaces proline, which is neutral and non-polar, with leucine, which is neutral and non-polar, at codon 1182 of the WNK1 protein (p.Pro1182Leu). This variant is not present in population databases (gnomAD no frequency). This variant has not been reported in the literature in individuals affected with WNK1-related conditions. Advanced modeling of protein sequence and biophysical properties (such as structural, functional, and spatial information, amino acid conservation, physicochemical variation, residue mobility, and thermodynamic stability) performed at Invitae indicates that this missense variant is not expected to disrupt WNK1 protein function with a negative predictive value of 95%. In summary, the available evidence is currently insufficient to determine the role of this variant in disease. Therefore, it has been classified as a Variant of Uncertain Significance.